The following is an entry in ClinVar:

ClinVar aggregate classification (germline): Benign (0 of 4 stars; one submission).

Conditions:
DCHS2-related disorder. Also called: DCHS2-related condition.

Allele frequency attached by ClinVar (database versions not stated): gnomAD exomes 0.00038; ExAC 0.00140; gnomAD 0.00411; ESP Exome Variant Server 0.00415; TOPMed 0.00493; 1000 Genomes Project 0.00539; 1000 Genomes Project 30x 0.00593.

Submission:

PreventionGenetics, part of Exact Sciences
Classification: Benign for DCHS2-related condition. Last evaluated: 2019-02-18. Review status: no assertion criteria provided. Collection method: clinical testing. Allele origin: germline.
Comment: This variant is classified as benign based on ACMG/AMP sequence variant interpretation guidelines (Richards et al. 2015 PMID: 25741868, with internal and published modifications).

NM_001358235.2(DCHS2):c.2932G>A (p.Ala978Thr)

Gene: DCHS2 (dachsous cadherin-related 2; minus strand). Cytogenetic location: 4q31.3.
Variant type: single nucleotide variant.
Coding change: c.2932G>A on transcript NM_001358235.2 (MANE Select); coding-DNA position 2932, G replaced by A.
Protein change: p.Ala978Thr; replaces alanine 978 with threonine.
Molecular consequence: missense variant.
Genome position (GRCh38, 1-based): chr4:154,333,276, C>T on the plus strand (G>A on the coding strand, the complement: DCHS2 is on the minus strand). VCF-style: chr4-154333276-C-T. GRCh37 (hg19) VCF-style: chr4-155254428-C-T.
Other names: c.2932G>A, p.Ala978Thr (NM_001142552.2, NM_001412223.1); short protein forms A978T.
Identifiers: ClinVar variation 3050812 (VCV003050812.2), dbSNP rs72966167, ClinGen allele CA3113316.